The following is an entry in ClinVar:

NM_006662.3(SRCAP):c.5728G>A (p.Ala1910Thr)

Gene: SRCAP (Snf2 related CREBBP activator protein; plus strand). Cytogenetic location: 16p11.2.
Variant type: single nucleotide variant.
Coding change: c.5728G>A on transcript NM_006662.3 (MANE Select); coding-DNA position 5728, G replaced by A.
Protein change: p.Ala1910Thr; replaces alanine 1910 with threonine.
Molecular consequence: missense variant.
Genome position (GRCh38, 1-based): chr16:30,729,035, G>A. VCF-style: chr16-30729035-G-A. GRCh37 (hg19) VCF-style: chr16-30740356-G-A.
Other names: short protein forms A1910T.
Identifiers: ClinVar variation 4174634 (VCV004174634.2).

ClinVar aggregate classification (germline): Likely benign. Review status: criteria provided, multiple submitters, no conflicts (2 of 4 stars). 2 submissions from 2 submitters: Likely benign (2). Last evaluated 2026-03-10.

Conditions:
Inborn genetic diseases. Identifiers: MedGen C0950123, MeSH D030342.

gnomAD v4.1: 39 of 1,614,044 alleles (0.0024%); highest among the groups gnomAD compares: Non-Finnish European, 0.00051%; 1 homozygote.

Submissions (2):

Women's Health and Genetics/Laboratory Corporation of America, LabCorp
Classification: Likely benign. Last evaluated: 2026-03-10. Review status: criteria provided, single submitter. Criteria: LabCorp Variant Classification Summary - May 2015. Collection method: clinical testing. Allele origin: germline.
Comment: Variant summary: SRCAP c.5728G>A (p.Ala1910Thr) results in a non-conservative amino acid change in the encoded protein sequence. Algorithms developed to predict the effect of missense changes on protein structure and function are either unavailable or do not agree on the potential impact of this missense change. The variant allele was found at a frequency of 4e-05 in 251464 control chromosomes (gnomAD). The occurrence in multiple unaffected individuals suggests it is a benign polymorphism. To our knowledge, no occurrence of c.5728G>A in individuals affected with SRCAP-related conditions and no experimental evidence demonstrating its impact on protein function have been reported. ClinVar contains an entry for this variant (Variation ID: 4174634). Based on the evidence outlined above, the variant was classified as likely benign.

Ambry Genetics
Classification: Likely benign for Inborn genetic diseases. Last evaluated: 2025-09-04. Review status: criteria provided, single submitter. Criteria: Ambry Variant Classification Scheme 2023. Collection method: clinical testing. Allele origin: germline.